The following is an entry in ClinVar:

NM_022552.5(DNMT3A):c.674A>G (p.Asn225Ser)

Gene: DNMT3A (DNA methyltransferase 3 alpha; minus strand). Cytogenetic location: 2p23.3.
Variant type: single nucleotide variant.
Coding change: c.674A>G on transcript NM_022552.5 (MANE Select); coding-DNA position 674, A replaced by G.
Protein change: p.Asn225Ser; replaces asparagine 225 with serine.
Molecular consequence: missense variant. On other transcripts: non-coding transcript variant (1).
Genome position (GRCh38, 1-based): chr2:25,248,218, T>C on the plus strand (A>G on the coding strand, the complement: DNMT3A is on the minus strand). VCF-style: chr2-25248218-T-C. GRCh37 (hg19) VCF-style: chr2-25471087-T-C.
Other names: c.218A>G, p.Asn73Ser (NM_001320893.1); c.5A>G, p.Asn2Ser (NM_001375819.1); c.107A>G, p.Asn36Ser (NM_153759.3); c.674A>G, p.Asn225Ser (NM_175629.2); short protein forms N225S, N2S, N36S, N73S.
Identifiers: ClinVar variation 4709744 (VCV004709744.1).

ClinVar aggregate classification (germline): Uncertain significance (1 of 4 stars; one submission).

Conditions:
Tatton-Brown-Rahman overgrowth syndrome. Also called: Tall stature-intellectual disability-facial dysmorphism syndrome; Tatton-Brown-Rahman syndrome. Identifiers: Orphanet 404443, MedGen C4014545, MONDO:0014382, OMIM 615879.

Submission:

Labcorp Genetics (formerly Invitae), Labcorp
Classification: Uncertain significance for Tatton-Brown-Rahman overgrowth syndrome. Last evaluated: 2025-08-03. Review status: criteria provided, single submitter. Criteria: Invitae Variant Classification Sherloc (09022015). Collection method: clinical testing. Allele origin: germline.
Comment: This sequence change replaces asparagine, which is neutral and polar, with serine, which is neutral and polar, at codon 225 of the DNMT3A protein (p.Asn225Ser). This variant is not present in population databases (gnomAD no frequency). This variant has not been reported in the literature in individuals affected with DNMT3A-related conditions. Invitae Evidence Modeling of protein sequence and biophysical properties (such as structural, functional, and spatial information, amino acid conservation, physicochemical variation, residue mobility, and thermodynamic stability) indicates that this missense variant is not expected to disrupt DNMT3A protein function with a negative predictive value of 95%. In summary, the available evidence is currently insufficient to determine the role of this variant in disease. Therefore, it has been classified as a Variant of Uncertain Significance.